The following is an entry in ClinVar:

ClinVar aggregate classification (germline): Uncertain significance (1 of 4 stars; one submission).

Submission:

Labcorp Genetics (formerly Invitae), Labcorp
Classification: Uncertain significance. Last evaluated: 2023-11-28. Review status: criteria provided, single submitter. Criteria: Invitae Variant Classification Sherloc (09022015). Collection method: clinical testing. Allele origin: germline.
Comment: This variant occurs in a non-coding region of the POMP gene. It does not change the encoded amino acid sequence of the POMP protein. This variant is not present in population databases (gnomAD no frequency). This variant has not been reported in the literature in individuals affected with POMP-related conditions. Experimental studies and prediction algorithms are not available or were not evaluated, and the functional significance of this variant is currently unknown. Algorithms developed to predict the effect of sequence changes on RNA splicing suggest that this variant may create or strengthen a splice site. In summary, the available evidence is currently insufficient to determine the role of this variant in disease. Therefore, it has been classified as a Variant of Uncertain Significance.

NM_015932.6(POMP):c.*1_*2del (p.Ter142=)

Gene: POMP (proteasome maturation protein; plus strand). Cytogenetic location: 13q12.3.
Variant type: Deletion.
Coding change: c.*1_*2del on transcript NM_015932.6 (MANE Select); 1 bases downstream of the stop codon through 2 bases downstream of the stop codon, 2 bases deleted (TA; older notation c.*1_*2delTA).
Protein change: p.Ter142=.
Molecular consequence: no sequence alteration.
Genome position (GRCh38, 1-based): chr13:28,678,103-28,678,104, TA deleted; deleting any 2 consecutive bases within chr13:28,678,102-28,678,104 gives the same sequence; the c. name uses the placement nearest the transcript's 3' end. VCF-style (leftmost placement, unchanged base first): chr13-28678101-AAT-A. GRCh37 (hg19) VCF-style: chr13-29252238-AAT-A.
Identifiers: ClinVar variation 2699539 (VCV002699539.3), dbSNP rs2541643628, ClinGen allele CA2697551686.